The following is an entry in ClinVar:

NM_021922.3(FANCE):c.164G>A (p.Trp55Ter)

Genes: FANCE (FA complementation group E; plus strand), LOC129996245 (ATAC-STARR-seq lymphoblastoid silent region 17092; plus strand). Cytogenetic location: 6p21.31.
Variant type: single nucleotide variant.
Coding change: c.164G>A on transcript NM_021922.3 (MANE Select); coding-DNA position 164, G replaced by A.
Protein change: p.Trp55Ter; replaces tryptophan 55 with a stop codon.
Molecular consequence: nonsense.
Genome position (GRCh38, 1-based): chr6:35,452,709, G>A. VCF-style: chr6-35452709-G-A. GRCh37 (hg19) VCF-style: chr6-35420486-G-A.
Other names: short protein forms W55*.
Identifiers: ClinVar variation 1338638 (VCV001338638.7), dbSNP rs2150885915, ClinGen allele CA363770497.
Genomic context (GRCh38, chr6:35,452,709, plus strand): 5'-CGGGGCCTGAGGGGGCGCGGCGCGGCCTGGGGGTGCTCCGGGCGCTGGGCAGCCGCGGCT[G>A]GGAGCCCTTCGACTGGGGTCGCTTGCTCGAGGCCCTGTGCCGGGAGGAGCCGGTCGTGCA-3'

ClinVar aggregate classification (germline): Pathogenic/Likely pathogenic. Review status: criteria provided, multiple submitters, no conflicts (2 of 4 stars). 2 submissions from 2 submitters: Pathogenic (1); Likely pathogenic (1). Last evaluated 2023-04-06.

Conditions:
Fanconi anemia complementation group E (FANCE). Also called: FANCE-Related Fanconi Anemia. Identifiers: Orphanet 84, MedGen C3160739, MONDO:0010953, OMIM 600901.

Submissions (2):

Labcorp Genetics (formerly Invitae), Labcorp
Classification: Pathogenic for Fanconi anemia complementation group E. Last evaluated: 2023-04-06. Review status: criteria provided, single submitter. Criteria: Invitae Variant Classification Sherloc (09022015). Collection method: clinical testing. Allele origin: germline.
Comment: For these reasons, this variant has been classified as Pathogenic. ClinVar contains an entry for this variant (Variation ID: 1338638). This variant has not been reported in the literature in individuals affected with FANCE-related conditions. This variant is not present in population databases (gnomAD no frequency). This sequence change creates a premature translational stop signal (p.Trp55*) in the FANCE gene. It is expected to result in an absent or disrupted protein product. Loss-of-function variants in FANCE are known to be pathogenic (PMID: 11001585, 17924555).

Genetic Services Laboratory, University of Chicago
Classification: Likely pathogenic. Last evaluated: 2021-04-26. Review status: criteria provided, single submitter. Criteria: ACMG Guidelines, 2015. Collection method: clinical testing. Allele origin: germline. Affected: yes.
Comment: DNA sequence analysis of the FANCE gene demonstrated a sequence change, c.164G>A, which results in the creation of a premature stop codon at amino acid position 55, p.Trp55*. This sequence change is predicted to result in an abnormal transcript, which may be degraded, or may lead to the production of a truncated FANCE protein with potentially abnormal function. This sequence change does not appear to have been previously described in patients with FANCE-related disorders, but other downstream truncating variants have been described in patients with Fanconi anemia (PMID: 11001585). This sequence change was absent in the gnomAD population database. Collectively these evidences suggest that, the p.Trp55* change is likely pathogenic, however functional studies have not been performed to prove this conclusively.

Literature cited by the submitters: PubMed 11001585 (cited by Labcorp Genetics (formerly Invitae), Labcorp); PubMed 17924555 (cited by Labcorp Genetics (formerly Invitae), Labcorp).